The following is an entry in ClinVar:

ClinVar aggregate classification (germline): Uncertain significance (1 of 4 stars; one submission).

Allele frequency attached by ClinVar (database versions not stated): gnomAD exomes below 0.00001; gnomAD 0.00001.
gnomAD v4.1: 2 of 1,550,056 alleles (0.00013%); highest among the groups gnomAD compares: South Asian, 0.0012%; no homozygotes.

Submission:

Women's Health and Genetics/Laboratory Corporation of America, LabCorp
Classification: Uncertain significance. Last evaluated: 2023-07-26. Review status: criteria provided, single submitter. Criteria: LabCorp Variant Classification Summary - May 2015. Collection method: clinical testing. Allele origin: germline.
Comment: Variant summary: ZNF469 c.2059G>A (p.Glu687Lys) results in a conservative amino acid change in the encoded protein sequence. Three of three in-silico tools predict a benign effect of the variant on protein function. The variant was absent in 149292 control chromosomes. The available data on variant occurrences in the general population are insufficient to allow any conclusion about variant significance. c.2059G>A has been reported in the literature in an individual affected with sporadic keratoconus (Yu_2017); however, this report does not provide unequivocal conclusions about association of the variant with Brittle Cornea Syndrome 1. To our knowledge, no experimental evidence demonstrating an impact on protein function has been reported. The following publication has been ascertained in the context of this evaluation (PMID: 28484309). No submitters have cited clinical-significance assessments for this variant to ClinVar after 2014. Based on the evidence outlined above, the variant was classified as uncertain significance.

Literature cited by the submitters: PubMed 28484309.

NM_001367624.2(ZNF469):c.2059G>A (p.Glu687Lys)

Gene: ZNF469 (zinc finger protein 469; plus strand). Cytogenetic location: 16q24.2.
Variant type: single nucleotide variant.
Coding change: c.2059G>A on transcript NM_001367624.2 (MANE Select); coding-DNA position 2059, G replaced by A.
Protein change: p.Glu687Lys; replaces glutamic acid 687 with lysine.
Molecular consequence: missense variant.
Genome position (GRCh38, 1-based): chr16:88,429,529, G>A. VCF-style: chr16-88429529-G-A. GRCh37 (hg19) VCF-style: chr16-88495937-G-A.
Other names: short protein forms E687K.
Identifiers: ClinVar variation 2577353 (VCV002577353.1), dbSNP rs1905975458, ClinGen allele CA397069662.